The following is an entry in ClinVar:

NM_206933.4(USH2A):c.13321G>C (p.Glu4441Gln)

Gene: USH2A (usherin; minus strand). Cytogenetic location: 1q41.
Variant type: single nucleotide variant.
Coding change: c.13321G>C on transcript NM_206933.4 (MANE Select); coding-DNA position 13321, G replaced by C.
Protein change: p.Glu4441Gln; replaces glutamic acid 4441 with glutamine.
Molecular consequence: missense variant.
Genome position (GRCh38, 1-based): chr1:215,674,590, C>G on the plus strand (G>C on the coding strand, the complement: USH2A is on the minus strand). VCF-style: chr1-215674590-C-G. GRCh37 (hg19) VCF-style: chr1-215847932-C-G.
Other names: short protein forms E4441Q.
Identifiers: ClinVar variation 1514359 (VCV001514359.8), dbSNP rs2102665456, ClinGen allele CA344845720.

ClinVar aggregate classification (germline): Uncertain significance (1 of 4 stars; one submission).

Submission:

Labcorp Genetics (formerly Invitae), Labcorp
Classification: Uncertain significance. Last evaluated: 2021-03-03. Review status: criteria provided, single submitter. Criteria: Invitae Variant Classification Sherloc (09022015). Collection method: clinical testing. Allele origin: germline.
Comment: In summary, the available evidence is currently insufficient to determine the role of this variant in disease. Therefore, it has been classified as a Variant of Uncertain Significance. Algorithms developed to predict the effect of missense changes on protein structure and function (SIFT, PolyPhen-2, Align-GVGD) all suggest that this variant is likely to be disruptive, but these predictions have not been confirmed by published functional studies and their clinical significance is uncertain. This variant has been observed in individual(s) with autosomal recessive retinitis pigmentosa (Invitae). This variant is not present in population databases (ExAC no frequency). This sequence change replaces glutamic acid with glutamine at codon 4441 of the USH2A protein (p.Glu4441Gln). The glutamic acid residue is highly conserved and there is a small physicochemical difference between glutamic acid and glutamine.